The following is an entry in ClinVar:

ClinVar aggregate classification (germline): Benign (1 of 4 stars; one submission).

Conditions:
Autoimmune lymphoproliferative syndrome type 1. Also called: AUTOIMMUNE LYMPHOPROLIFERATIVE SYNDROME, TYPE I, AUTOSOMAL DOMINANT. Identifiers: Orphanet 3261, MedGen C2717884, MONDO:0011158, OMIM 601859.

Allele frequency attached by ClinVar (database versions not stated): gnomAD 0.00146 and 0.00150; 1000 Genomes Project 30x 0.00047; gnomAD exomes 0.00190; 1000 Genomes Project 0.00040; TOPMed 0.00149.

Submission:

Illumina Laboratory Services, Illumina
Classification: Benign for Autoimmune lymphoproliferative syndrome type 1. Last evaluated: 2018-01-13. Review status: criteria provided, single submitter. Criteria: ICSL Variant Classification Criteria 13 December 2019. Collection method: clinical testing. Allele origin: germline.
Comment: This variant was observed in the ICSL laboratory as part of a predisposition screen in an ostensibly healthy population. It had not been previously curated by ICSL or reported in the Human Gene Mutation Database (HGMD: prior to June 1st, 2018), and was therefore a candidate for classification through an automated scoring system. Utilizing variant allele frequency, disease prevalence and penetrance estimates, and inheritance mode, an automated score was calculated to assess if this variant is too frequent to cause the disease. Based on the score and internal cut-off values, a variant classified as benign is not then subjected to further curation. The score for this variant resulted in a classification of benign for this disease.

NM_000639.3(FASLG):c.*406G>T

Gene: FASLG (Fas ligand; plus strand). Cytogenetic location: 1q24.3.
Variant type: single nucleotide variant.
Coding change: c.*406G>T on transcript NM_000639.3 (MANE Select); 406 bases downstream of the stop codon, G replaced by T.
Molecular consequence: 3 prime UTR variant.
Genome position (GRCh38, 1-based): chr1:172,666,422, G>T. VCF-style: chr1-172666422-G-T. GRCh37 (hg19) VCF-style: chr1-172635562-G-T.
Other names: c.*822G>T (NM_001302746.2).
Identifiers: ClinVar variation 293746 (VCV000293746.5), dbSNP rs138658215, ClinGen allele CA10608799.